The following is an entry in ClinVar:

NM_005359.6(SMAD4):c.613G>C (p.Glu205Gln)

Gene: SMAD4 (SMAD family member 4; plus strand). Cytogenetic location: 18q21.2.
Variant type: single nucleotide variant.
Coding change: c.613G>C on transcript NM_005359.6 (MANE Select); coding-DNA position 613, G replaced by C.
Protein change: p.Glu205Gln; replaces glutamic acid 205 with glutamine.
Molecular consequence: missense variant. On other transcripts: non-coding transcript variant (2).
Genome position (GRCh38, 1-based): chr18:51,054,939, G>C. VCF-style: chr18-51054939-G-C. GRCh37 (hg19) VCF-style: chr18-48581309-G-C.
Other names: c.613G>C, p.Glu205Gln (NM_001407041.1, NM_001407042.1, NM_001407043.1); short protein forms E205Q.
Identifiers: ClinVar variation 2750031 (VCV002750031.3), dbSNP rs2144419317, ClinGen allele CA402461166.

ClinVar aggregate classification (germline): Uncertain significance (1 of 4 stars; one submission).

Conditions:
Juvenile polyposis syndrome (JPS). Identifiers: Orphanet 2929, MedGen C0345893, MONDO:0017380, OMIM 174900.

Submission:

Labcorp Genetics (formerly Invitae), Labcorp
Classification: Uncertain significance for Juvenile polyposis syndrome. Last evaluated: 2023-05-30. Review status: criteria provided, single submitter. Criteria: Invitae Variant Classification Sherloc (09022015). Collection method: clinical testing. Allele origin: germline.
Comment: In summary, the available evidence is currently insufficient to determine the role of this variant in disease. Therefore, it has been classified as a Variant of Uncertain Significance. Advanced modeling of protein sequence and biophysical properties (such as structural, functional, and spatial information, amino acid conservation, physicochemical variation, residue mobility, and thermodynamic stability) has been performed at Invitae for this missense variant, however the output from this modeling did not meet the statistical confidence thresholds required to predict the impact of this variant on SMAD4 protein function. This variant has not been reported in the literature in individuals affected with SMAD4-related conditions. This variant is not present in population databases (gnomAD no frequency). This sequence change replaces glutamic acid, which is acidic and polar, with glutamine, which is neutral and polar, at codon 205 of the SMAD4 protein (p.Glu205Gln).